The following is an entry in ClinVar:

ClinVar aggregate classification (germline): Uncertain significance (1 of 4 stars; one submission).

Conditions:
Specific granule deficiency. Identifiers: Orphanet 169142, MedGen C0398593, MONDO:0009506.

Allele frequency attached by ClinVar (database versions not stated): gnomAD exomes 0.00001; ExAC below 0.00001; TOPMed 0.00005.
gnomAD v4.1: 50 of 1,608,394 alleles (0.0031%); highest among the groups gnomAD compares: Non-Finnish European, 0.0042%; no homozygotes.

Submission:

Labcorp Genetics (formerly Invitae), Labcorp
Classification: Uncertain significance for Specific granule deficiency. Last evaluated: 2021-11-22. Review status: criteria provided, single submitter. Criteria: Invitae Variant Classification Sherloc (09022015). Collection method: clinical testing. Allele origin: germline.
Comment: This sequence change replaces proline, which is neutral and non-polar, with leucine, which is neutral and non-polar, at codon 179 of the CEBPE protein (p.Pro179Leu). This variant is present in population databases (rs778374638, gnomAD 0.003%). This variant has not been reported in the literature in individuals affected with CEBPE-related conditions. ClinVar contains an entry for this variant (Variation ID: 834881). Algorithms developed to predict the effect of missense changes on protein structure and function (SIFT, PolyPhen-2, Align-GVGD) all suggest that this variant is likely to be tolerated. In summary, the available evidence is currently insufficient to determine the role of this variant in disease. Therefore, it has been classified as a Variant of Uncertain Significance.

NM_001805.4(CEBPE):c.536C>T (p.Pro179Leu)

Gene: CEBPE (CCAAT enhancer binding protein epsilon; minus strand). Cytogenetic location: 14q11.2.
Variant type: single nucleotide variant.
Coding change: c.536C>T on transcript NM_001805.4 (MANE Select); coding-DNA position 536, C replaced by T.
Protein change: p.Pro179Leu; replaces proline 179 with leucine.
Molecular consequence: missense variant.
Genome position (GRCh38, 1-based): chr14:23,117,797, G>A on the plus strand (C>T on the coding strand, the complement: CEBPE is on the minus strand). VCF-style: chr14-23117797-G-A. GRCh37 (hg19) VCF-style: chr14-23587006-G-A.
Other names: short protein forms P179L.
Identifiers: ClinVar variation 834881 (VCV000834881.6), dbSNP rs778374638, ClinGen allele CA7111158.